The following is an entry in ClinVar:

ClinVar aggregate classification (germline): Conflicting classifications of pathogenicity. Review status: criteria provided, conflicting classifications (1 of 4 stars). 8 submissions from 8 submitters: Uncertain significance (6); Likely benign (2). Last evaluated 2025-10-11.

Conditions:
Classic or attenuated familial adenomatous polyposis. Identifiers: MedGen CN372698, MONDO:0021057.
Hereditary cancer-predisposing syndrome. Also called: Neoplastic Syndromes, Hereditary; Tumor predisposition; Hereditary Cancer Syndrome; Hereditary neoplastic syndrome. Identifiers: Orphanet 140162, MedGen C0027672, MeSH D009386, MONDO:0015356.
Familial adenomatous polyposis 1 (FAP1). Also called: FAMILIAL ADENOMATOUS POLYPOSIS 1, ATTENUATED; POLYPOSIS, ADENOMATOUS INTESTINAL. Identifiers: MedGen C2713442, MONDO:0021056, OMIM 175100. Disease mechanism: loss of function.

Allele frequency attached by ClinVar (database versions not stated): gnomAD 0.00001 and 0.00003; ExAC 0.00002; gnomAD exomes 0.00002; TOPMed 0.00003.
gnomAD v4.1: 19 of 1,614,000 alleles (0.0012%); highest among the groups gnomAD compares: East Asian, 0.042%; no homozygotes.

Submissions (8):

Labcorp Genetics (formerly Invitae), Labcorp
Classification: Uncertain significance for Familial adenomatous polyposis 1. Last evaluated: 2025-10-11. Review status: criteria provided, single submitter. Criteria: Invitae Variant Classification Sherloc (09022015). Collection method: clinical testing. Allele origin: germline.
Comment: This sequence change replaces alanine, which is neutral and non-polar, with proline, which is neutral and non-polar, at codon 1753 of the APC protein (p.Ala1753Pro). This variant is present in population databases (rs587781350, gnomAD 0.03%). This missense change has been observed in individual(s) with clinical features of APC-related conditions (PMID: 32829589, 34754157, 36243179). ClinVar contains an entry for this variant (Variation ID: 140893). Invitae Evidence Modeling of protein sequence and biophysical properties (such as structural, functional, and spatial information, amino acid conservation, physicochemical variation, residue mobility, and thermodynamic stability) indicates that this missense variant is not expected to disrupt APC protein function with a negative predictive value of 95%. In summary, the available evidence is currently insufficient to determine the role of this variant in disease. Therefore, it has been classified as a Variant of Uncertain Significance.

Color Diagnostics, LLC DBA Color Health
Classification: Uncertain significance for Hereditary cancer-predisposing syndrome. Last evaluated: 2025-06-04. Review status: criteria provided, single submitter. Criteria: ACMG Guidelines, 2015. Collection method: clinical testing. Allele origin: germline.
Comment: This missense variant replaces alanine with proline at codon 1753 of the APC protein. Computational prediction suggests that this variant may not impact protein structure and function. To our knowledge, functional studies have not been reported for this variant. This variant has been reported in individuals affected with Familial adenomatous polyposis (PMID: 32829589) but co-occurs with another APC variant with a demonstrated splicing defect. This variant has been identified in 6/281968 chromosomes in the general population by the Genome Aggregation Database (gnomAD). The available evidence is insufficient to determine the role of this variant in disease conclusively. Therefore, this variant is classified as a Variant of Uncertain Significance.

Myriad Genetics, Inc.
Classification: Likely benign for Familial adenomatous polyposis 1. Last evaluated: 2025-01-29. Review status: criteria provided, single submitter. Criteria: Myriad Autosomal Dominant, Autosomal Recessive and X-Linked Classification Criteria (2023). Collection method: clinical testing. Allele origin: unknown.
Comment: This variant is considered likely benign. This variant has been observed at a population frequency that is significantly greater than expected given the associated disease prevalence and penetrance.

All of Us Research Program, National Institutes of Health
Classification: Uncertain significance for Classic or attenuated familial adenomatous polyposis. Last evaluated: 2023-11-30. Review status: criteria provided, single submitter. Criteria: ACMG Guidelines, 2015. Collection method: clinical testing. Allele origin: germline. Inheritance: Autosomal dominant inheritance. Observed: 5 variant alleles, 5 heterozygotes.
Comment: This missense variant replaces alanine with proline at codon 1753 of the APC protein. Computational prediction suggests that this variant may not impact protein structure and function (internally defined REVEL score threshold <= 0.5, PMID: 27666373). Splice site prediction tools suggest that this variant may not impact RNA splicing. To our knowledge, functional studies have not been performed for this variant. This variant has been reported in individuals affected with Familial adenomatous polyposis (PMID: 32829589) but co-occurs with another APC variant with a demonstrated splicing defect. This variant has been identified in 6/281968 chromosomes in the general population by the Genome Aggregation Database (gnomAD). The available evidence is insufficient to determine the role of this variant in disease conclusively. Therefore, this variant is classified as a Variant of Uncertain Significance.

This study involves interpretation of variants in research participants for the purpose of population health screening. Participant phenotype was not available at the time of variant classification. Additional details can be found in publication PMID: 35346344, PMCID: PMC8962531

Baylor Genetics
Classification: Uncertain significance for Familial adenomatous polyposis 1. Last evaluated: 2023-10-16. Review status: criteria provided, single submitter. Criteria: ACMG Guidelines, 2015. Collection method: clinical testing. Allele origin: unknown.

KCCC/NGS Laboratory, Kuwait Cancer Control Center
Classification: Uncertain significance for Familial adenomatous polyposis 1. Last evaluated: 2023-09-17. Review status: criteria provided, single submitter. Criteria: ACMG Guidelines, 2015. Collection method: clinical testing. Allele origin: germline. Inheritance: Autosomal dominant inheritance. Affected: yes. Observed: 1 heterozygote.
Comment: This sequence change replaces alanine, which is neutral and non-polar, with proline, which is neutral and non-polar, at codon 1753 of the APC protein (p.Ala1753Pro). This variant is present in population databases (rs587781350, gnomAD 0.03%). This missense change has been observed in individual(s) with clinical features of APC-related conditions (PMID: 32829589, 34754157). ClinVar contains an entry for this variant (Variation ID: 140893).Computational prediction suggests that this variant may not impact protein structure and function. Splice site prediction tools suggest that this variant may not impact RNA splicing. In summary, the available evidence is currently insufficient to determine the role of this variant in disease. Therefore, it has been classified as a Variant of Uncertain Significance.

Sema4
Classification: Uncertain significance for Hereditary cancer-predisposing syndrome. Last evaluated: 2022-02-15. Review status: criteria provided, single submitter. Criteria: Sema4 Curation Guidelines. Collection method: curation. Allele origin: germline.
Comment: The APC c.5257G>C (p.A1753P) variant has been reported in heterozygosity in at least four individuals with familial adenomatous polyposis, Peutz-Jeghers syndrome, pancreas cancer and/or non-small cell lung cancer (PMID: 31186761, 32829589, 32980694, 34754157); however, it was also reported in control individuals (PMID: 32980694). This variant was observed in 6/19948 chromosomes in the East Asian population, according to the Genome Aggregation Database (PMID: 32461654). The variant has been reported in ClinVar (Variation ID: 140893). Functional studies have not been performed, and in silico predictions of the variant's effect on protein function are inconclusive. The evidence is insufficient to meet ACMG/AMP criteria for classifying the variant as benign or pathogenic. Thus, the clinical significance of this variant is currently uncertain.

Ambry Genetics
Classification: Likely benign for Hereditary cancer-predisposing syndrome. Last evaluated: 2020-10-26. Review status: criteria provided, single submitter. Criteria: Ambry Variant Classification Scheme 2023. Collection method: clinical testing. Allele origin: germline.

Literature cited by the submitters: PubMed 32829589 (cited by 4 submitters); PubMed 34754157 (cited by Labcorp Genetics (formerly Invitae), Labcorp and Sema4); PubMed 36243179 (cited by Labcorp Genetics (formerly Invitae), Labcorp); PubMed 31186761 (cited by Sema4 and Ambry Genetics); PubMed 32980694 (cited by Sema4).

NM_000038.6(APC):c.5257G>C (p.Ala1753Pro)

Gene: APC (APC regulator of Wnt signaling pathway; plus strand). Cytogenetic location: 5q22.2.
Variant type: single nucleotide variant.
Coding change: c.5257G>C on transcript NM_000038.6 (MANE Select); coding-DNA position 5257, G replaced by C.
Protein change: p.Ala1753Pro; replaces alanine 1753 with proline.
Molecular consequence: missense variant.
Genome position (GRCh38, 1-based): chr5:112,840,851, G>C. VCF-style: chr5-112840851-G-C. GRCh37 (hg19) VCF-style: chr5-112176548-G-C.
Other names: c.5257G>C, p.Ala1753Pro (NM_001127510.3, NM_001354895.2); c.5203G>C, p.Ala1735Pro (NM_001127511.3); c.5311G>C, p.Ala1771Pro (NM_001354896.2); c.5287G>C, p.Ala1763Pro (NM_001354897.2); c.5182G>C, p.Ala1728Pro (NM_001354898.2); c.5173G>C, p.Ala1725Pro (NM_001354899.2); c.5134G>C, p.Ala1712Pro (NM_001354900.2); c.5080G>C, p.Ala1694Pro (NM_001354901.2); and 5 more; short protein forms A1735P, A1753P, A1470P, A1694P, A1593P, A1627P, A1725P, A1728P.
Identifiers: ClinVar variation 140893 (VCV000140893.26), dbSNP rs587781350, ClinGen allele CA009970.
Genomic context (GRCh38, chr5:112,840,851, plus strand): 5'-CCCAAAGGGAAAAGTCACAAGCCTTTCCGTGTGAAAAAGATAATGGACCAGGTCCAGCAA[G>C]CATCTGCGTCTTCTTCTGCACCCAACAAAAATCAGTTAGATGGTAAGAAAAAGAAACCAA-3'
Protein context (NP_000029.2, residues 1743-1763): VKKIMDQVQQ[Ala1753Pro]SASSSAPNKN